The following is an entry in ClinVar:

NM_001371986.1(UNC80):c.7408C>G (p.Leu2470Val)

Gene: UNC80 (unc-80 subunit of NALCN channel complex; plus strand). Cytogenetic location: 2q34.
Variant type: single nucleotide variant.
Coding change: c.7408C>G on transcript NM_001371986.1 (MANE Select); coding-DNA position 7408, C replaced by G.
Protein change: p.Leu2470Val; replaces leucine 2470 with valine.
Molecular consequence: missense variant.
Genome position (GRCh38, 1-based): chr2:209,954,221, C>G. VCF-style: chr2-209954221-C-G. GRCh37 (hg19) VCF-style: chr2-210818945-C-G.
Other names: c.7210C>G, p.Leu2404Val (NM_032504.2); c.7195C>G, p.Leu2399Val (NM_182587.4); short protein forms L2399V, L2404V, L2470V.
Identifiers: ClinVar variation 2860952 (VCV002860952.3), dbSNP rs2471194874, ClinGen allele CA350775745.
Genomic context (GRCh38, chr2:209,954,221, plus strand): 5'-CAGACATCACAGGTGGAGACAGTACCTGCTGCCCGAGAGGAGATTGCGGCCACTGCTGCT[C>G]TTGCGACGTCCCTACAGGCCCTTTTGTACAGTGTAGAGGTCCTCACCAGGTAATCCCATT-3'
Protein context (NP_001358915.1, residues 2460-2480): AREEIAATAA[Leu2470Val]ATSLQALLYS

ClinVar aggregate classification (germline): Uncertain significance (1 of 4 stars; one submission).

Submission:

Labcorp Genetics (formerly Invitae), Labcorp
Classification: Uncertain significance. Last evaluated: 2023-08-24. Review status: criteria provided, single submitter. Criteria: Invitae Variant Classification Sherloc (09022015). Collection method: clinical testing. Allele origin: germline.
Comment: This variant is not present in population databases (gnomAD no frequency). In summary, the available evidence is currently insufficient to determine the role of this variant in disease. Therefore, it has been classified as a Variant of Uncertain Significance. Advanced modeling of protein sequence and biophysical properties (such as structural, functional, and spatial information, amino acid conservation, physicochemical variation, residue mobility, and thermodynamic stability) performed at Invitae indicates that this missense variant is not expected to disrupt UNC80 protein function. This variant has not been reported in the literature in individuals affected with UNC80-related conditions. This sequence change replaces leucine, which is neutral and non-polar, with valine, which is neutral and non-polar, at codon 2404 of the UNC80 protein (p.Leu2404Val).